The following is an entry in ClinVar:

ClinVar aggregate classification (germline): Uncertain significance (1 of 4 stars; one submission).

Conditions:
Cardiovascular phenotype. Identifiers: MedGen CN230736.

Submission:

Ambry Genetics
Classification: Uncertain significance for Cardiovascular phenotype. Last evaluated: 2021-03-10. Review status: criteria provided, single submitter. Criteria: Ambry Variant Classification Scheme 2023. Collection method: clinical testing. Allele origin: germline.
Comment: The p.A230V variant (also known as c.689C>T), located in coding exon 6 of the MYH6 gene, results from a C to T substitution at nucleotide position 689. The alanine at codon 230 is replaced by valine, an amino acid with similar properties. This amino acid position is highly conserved in available vertebrate species. In addition, this alteration is predicted to be deleterious by in silico analysis. Since supporting evidence is limited at this time, the clinical significance of this alteration remains unclear.

NM_002471.4(MYH6):c.689C>T (p.Ala230Val)

Gene: MYH6 (myosin heavy chain 6; minus strand). Cytogenetic location: 14q11.2.
Variant type: single nucleotide variant.
Coding change: c.689C>T on transcript NM_002471.4 (MANE Select); coding-DNA position 689, C replaced by T.
Protein change: p.Ala230Val; replaces alanine 230 with valine.
Molecular consequence: missense variant.
Genome position (GRCh38, 1-based): chr14:23,404,342, G>A on the plus strand (C>T on the coding strand, the complement: MYH6 is on the minus strand). VCF-style: chr14-23404342-G-A. GRCh37 (hg19) VCF-style: chr14-23873551-G-A.
Other names: short protein forms A230V.
Identifiers: ClinVar variation 1756031 (VCV001756031.2), dbSNP rs2502204183, ClinGen allele CA389029040.